The following is an entry in ClinVar:

NM_018947.6(CYCS):c.116G>A (p.Arg39Gln)

Gene: CYCS (cytochrome c, somatic; minus strand). Cytogenetic location: 7p15.3.
Variant type: single nucleotide variant.
Coding change: c.116G>A on transcript NM_018947.6 (MANE Select); coding-DNA position 116, G replaced by A.
Protein change: p.Arg39Gln; replaces arginine 39 with glutamine.
Molecular consequence: missense variant.
Genome position (GRCh38, 1-based): chr7:25,124,004, C>T on the plus strand (G>A on the coding strand, the complement: CYCS is on the minus strand). VCF-style: chr7-25124004-C-T. GRCh37 (hg19) VCF-style: chr7-25163623-C-T.
Other names: short protein forms R39Q.
Identifiers: ClinVar variation 4811529 (VCV004811529.1).

ClinVar aggregate classification (germline): Uncertain significance (1 of 4 stars; one submission).

gnomAD v4.1: 14 of 1,613,994 alleles (0.00087%); highest among the groups gnomAD compares: Admixed American, 0.012%; no homozygotes.

Submission:

Labcorp Genetics (formerly Invitae), Labcorp
Classification: Uncertain significance. Last evaluated: 2025-10-05. Review status: criteria provided, single submitter. Criteria: Invitae Variant Classification Sherloc (09022015). Collection method: clinical testing. Allele origin: germline.
Comment: This sequence change replaces arginine, which is basic and polar, with glutamine, which is neutral and polar, at codon 39 of the CYCS protein (p.Arg39Gln). This variant is present in population databases (no rsID available, gnomAD 0.009%). This variant has not been reported in the literature in individuals affected with CYCS-related conditions. An algorithm developed to predict the effect of missense changes on protein structure and function (PolyPhen-2) suggests that this variant is likely to be tolerated. In summary, the available evidence is currently insufficient to determine the role of this variant in disease. Therefore, it has been classified as a Variant of Uncertain Significance.